The following is an entry in ClinVar:

ClinVar aggregate classification (germline): Benign. Review status: criteria provided, multiple submitters, no conflicts (2 of 4 stars). 5 submissions from 5 submitters: Benign (4). 1 of the submissions does not count toward it. Last evaluated 2026-01-15.

Conditions:
Lissencephaly 9 with complex brainstem malformation. Identifiers: Orphanet 572013, MedGen C5193029, MONDO:0032677, OMIM 618325.
MACF1-related disorder. Also called: MACF1-related condition.

Allele frequency attached by ClinVar (database versions not stated): gnomAD exomes 0.00578; 1000 Genomes Project 30x 0.02608; TOPMed 0.02451; 1000 Genomes Project 0.02496; ExAC 0.00695; ESP Exome Variant Server 0.02392.
gnomAD v4.1: 6,733 of 1,613,988 alleles (0.42%); highest among the groups gnomAD compares: African/African-American, 7.5%; 257 homozygotes.

Submissions (5):

Labcorp Genetics (formerly Invitae), Labcorp
Classification: Benign. Last evaluated: 2026-01-15. Review status: criteria provided, single submitter. Criteria: Invitae Variant Classification Sherloc (09022015). Collection method: clinical testing. Allele origin: germline.

Genome-Nilou Lab
Classification: Benign for Lissencephaly 9 with complex brainstem malformation. Last evaluated: 2023-04-11. Review status: criteria provided, single submitter. Criteria: ACMG Guidelines, 2015. Collection method: clinical testing. Allele origin: germline. Affected: no.

GeneDx
Classification: Benign. Last evaluated: 2021-05-06. Review status: criteria provided, single submitter. Criteria: GeneDx Variant Classification Process June 2021. Collection method: clinical testing. Allele origin: germline. Affected: yes.

Breakthrough Genomics
Classification: Benign. Review status: criteria provided, single submitter. Criteria: ACMG Guidelines, 2015. Collection method: not provided. Allele origin: germline. Inheritance: Autosomal dominant inheritance. Affected: yes.

PreventionGenetics, part of Exact Sciences
Classification: Benign for MACF1-related condition. Last evaluated: 2019-12-30. Review status: no assertion criteria provided. Collection method: clinical testing. Allele origin: germline. Not counted in ClinVar's aggregate classification.
Comment: This variant is classified as benign based on ACMG/AMP sequence variant interpretation guidelines (Richards et al. 2015 PMID: 25741868, with internal and published modifications).

NM_001394062.1(MACF1):c.14649T>C (p.His4883=)

Genes: MACF1 (microtubule actin crosslinking factor 1; plus strand), LOC114803468 (MACF1 eExon liver enhancer; plus strand). Cytogenetic location: 1p34.3.
Variant type: single nucleotide variant.
Coding change: c.14649T>C on transcript NM_001394062.1 (MANE Select); coding-DNA position 14649, T replaced by C.
Protein change: p.His4883=; no amino-acid change (histidine 4883 retained).
Molecular consequence: synonymous variant.
Genome position (GRCh38, 1-based): chr1:39,387,491, T>C. VCF-style: chr1-39387491-T-C. GRCh37 (hg19) VCF-style: chr1-39853163-T-C.
Other names: c.8463T>C, p.His2821= (NM_012090.5).
Identifiers: ClinVar variation 773141 (VCV000773141.12), dbSNP rs79901102, ClinGen allele CA782279.